The following continues an entry in ClinVar:

NM_000059.4(BRCA2):c.1889del (p.Thr630fs)

Gene: BRCA2. ClinVar aggregate classification (germline): Pathogenic. Pathogenic (1).

Submissions 12 to 18 of 18:

Quest Diagnostics Nichols Institute San Juan Capistrano
Classification: Pathogenic. Last evaluated: 2020-11-13. Review status: criteria provided, single submitter. Criteria: Quest Diagnostics criteria. Collection method: clinical testing. Allele origin: unknown. Not counted in ClinVar's aggregate classification.
Comment: This frameshift variant causes the premature termination of BRCA2 protein synthesis. In addition, it has been reported in individuals affected with breast cancer and prostate cancer in the published literature (PMID: 20736950 (2010) and 25682074 (2015)). Therefore, the variant is classified as pathogenic.

Department of Pathology and Laboratory Medicine, Sinai Health System
Classification: Pathogenic for Familial cancer of breast; Breast-ovarian cancer, familial, susceptibility to, 2. Last evaluated: 2019-10-24. Review status: criteria provided, single submitter. Criteria: ACMG Guidelines, 2015. Collection method: clinical testing. Allele origin: germline. Affected: yes. Not counted in ClinVar's aggregate classification.

Women's Health and Genetics/Laboratory Corporation of America, LabCorp
Classification: Pathogenic for Hereditary breast ovarian cancer syndrome. Last evaluated: 2016-09-08. Review status: criteria provided, single submitter. Criteria: LabCorp Variant Classification Summary - May 2015. Collection method: clinical testing. Allele origin: germline. Not counted in ClinVar's aggregate classification.
Comment: Variant summary: The BRCA2 c.1889delC (p.Thr630Asnfs) variant results in a premature termination codon, predicted to cause a truncated or absent BRCA2 protein due to nonsense mediated decay, which are commonly known mechanisms for disease. Truncations downstream of this position have been classified as pathogenic by our laboratory (e.g. c.1929delG (p.Arg645fs), c.2103_2106delTATT (p.Phe701fs), and c.2212dupT (p.Cys738fs). The variant of interest has not been observed in controls (ExAC, 1000 Gs, or ESP) and has been reported in multiple affected individuals via publications and databases. In addition, multiple clinical diagnostic laboratories cite the variant as "pathogenic." Therefore, the variant of interest has been classified as "Pathogenic."

Consortium of Investigators of Modifiers of BRCA1/2 (CIMBA), c/o University of Cambridge
Classification: Pathogenic for Breast-ovarian cancer, familial, susceptibility to, 2. Last evaluated: 2015-10-02. Review status: criteria provided, single submitter. Criteria: CIMBA Mutation Classification guidelines May 2016. Collection method: clinical testing. Allele origin: germline. Not counted in ClinVar's aggregate classification.

Research Molecular Genetics Laboratory, Women's College Hospital, University of Toronto
Classification: Pathogenic for Hereditary breast ovarian cancer syndrome. Last evaluated: 2014-01-31. Review status: no assertion criteria provided. Collection method: research. Allele origin: germline. Affected: yes. Study: The Canadian Open Genetics Repository (COGR). Not counted in ClinVar's aggregate classification.

Sharing Clinical Reports Project (SCRP)
Classification: Pathogenic for Breast-ovarian cancer, familial 2. Last evaluated: 2011-04-29. Review status: no assertion criteria provided. Collection method: clinical testing. Allele origin: germline. Not counted in ClinVar's aggregate classification.

Breast Cancer Information Core (BIC) (BRCA2)
Classification: Pathogenic for Breast-ovarian cancer, familial 2. Last evaluated: 2004-02-20. Review status: no assertion criteria provided. Collection method: clinical testing. Allele origin: germline. Affected: yes. Observed: 6 variant alleles. Not counted in ClinVar's aggregate classification.

Literature cited by the submitters: PubMed 20104584 (cited by Labcorp Genetics (formerly Invitae), Labcorp and GeneKor MSA); PubMed 20736950 (cited by 8 submitters); PubMed 25682074 (cited by 8 submitters); PubMed 32073954 (cited by Mayo Clinic Laboratories, Mayo Clinic); PubMed 32885271 (cited by Mayo Clinic Laboratories, Mayo Clinic and GeneKor MSA); PubMed 27153395 (cited by GeneKor MSA and Color Diagnostics, LLC DBA Color Health); PubMed 29371908 (cited by 3 submitters); PubMed 30883245 (cited by 3 submitters); PubMed 32918181 (cited by GeneKor MSA); PubMed 33471991 (cited by Color Diagnostics, LLC DBA Color Health); PubMed 29446198 (cited by Ambry Genetics); PubMed 28288110 (cited by Department of Pathology and Laboratory Medicine, Sinai Health System).